The following is an entry in ClinVar:

ClinVar aggregate classification (germline): Uncertain significance (1 of 4 stars; one submission).

Allele frequency attached by ClinVar (database versions not stated): gnomAD 0.00001.
gnomAD v4.1: 1 of 1,611,156 alleles (0.000062%); highest among the groups gnomAD compares: Non-Finnish European, 0.000085%; no homozygotes.

Submission:

Labcorp Genetics (formerly Invitae), Labcorp
Classification: Uncertain significance. Last evaluated: 2022-10-26. Review status: criteria provided, single submitter. Criteria: Invitae Variant Classification Sherloc (09022015). Collection method: clinical testing. Allele origin: germline.
Comment: This variant has not been reported in the literature in individuals affected with NEFH-related conditions. This sequence change replaces lysine, which is basic and polar, with isoleucine, which is neutral and non-polar, at codon 573 of the NEFH protein (p.Lys573Ile). This variant is present in population databases (no rsID available, gnomAD 0.007%). Advanced modeling of protein sequence and biophysical properties (such as structural, functional, and spatial information, amino acid conservation, physicochemical variation, residue mobility, and thermodynamic stability) performed at Invitae indicates that this missense variant is not expected to disrupt NEFH protein function. In summary, the available evidence is currently insufficient to determine the role of this variant in disease. Therefore, it has been classified as a Variant of Uncertain Significance.

NM_021076.4(NEFH):c.1718A>T (p.Lys573Ile)

Gene: NEFH (neurofilament heavy chain; plus strand). Cytogenetic location: 22q12.2.
Variant type: single nucleotide variant.
Coding change: c.1718A>T on transcript NM_021076.4 (MANE Select); coding-DNA position 1718, A replaced by T.
Protein change: p.Lys573Ile; replaces lysine 573 with isoleucine.
Molecular consequence: missense variant.
Genome position (GRCh38, 1-based): chr22:29,489,358, A>T. VCF-style: chr22-29489358-A-T. GRCh37 (hg19) VCF-style: chr22-29885347-A-T.
Other names: short protein forms K573I.
Identifiers: ClinVar variation 1722189 (VCV001722189.5), dbSNP rs1292938660, ClinGen allele CA411131538.